The following is an entry in ClinVar:

NM_005898.5(CAPRIN1):c.1404+5G>C

Gene: CAPRIN1 (cell cycle associated protein 1; plus strand). Cytogenetic location: 11p13.
Variant type: single nucleotide variant.
Coding change: c.1404+5G>C on transcript NM_005898.5 (MANE Select); 5 bases into the intron after coding-DNA position 1404, G replaced by C.
Molecular consequence: intron variant.
Genome position (GRCh38, 1-based): chr11:34,090,294, G>C. VCF-style: chr11-34090294-G-C. GRCh37 (hg19) VCF-style: chr11-34111841-G-C.
Other names: c.1404+5G>C (NM_203364.3).
Identifiers: ClinVar variation 5040562 (VCV005040562.1).

ClinVar aggregate classification (germline): Uncertain significance (1 of 4 stars; one submission).

Submission:

CeGaT Center for Human Genetics Tuebingen
Classification: Uncertain significance. Last evaluated: 2026-08-01. Review status: criteria provided, single submitter. Criteria: CeGaT Center For Human Genetics Tuebingen Variant Classification Criteria Version 2. Collection method: clinical testing. Allele origin: germline. Affected: yes. Observed: 1 variant allele.
Comment: CAPRIN1: PM2, PP3